The following is an entry in ClinVar:

NM_148960.3(CLDN19):c.473+1G>T

Gene: CLDN19 (claudin 19; minus strand). Cytogenetic location: 1p34.2.
Variant type: single nucleotide variant.
Coding change: c.473+1G>T on transcript NM_148960.3 (MANE Select); the canonical splice donor site of the intron after coding-DNA position 473, G replaced by T.
Molecular consequence: splice donor variant. On other transcripts: intron variant (1).
Genome position (GRCh38, 1-based): chr1:42,738,228, C>A on the plus strand (G>T on the coding strand, the complement: CLDN19 is on the minus strand). VCF-style: chr1-42738228-C-A. GRCh37 (hg19) VCF-style: chr1-43203899-C-A.
Other names: c.388+193G>T (NM_001185117.2); c.473+1G>T (NM_001123395.2).
Identifiers: ClinVar variation 2585234 (VCV002585234.1), dbSNP rs2524364170, ClinGen allele CA339944524.

ClinVar aggregate classification (germline): Uncertain significance (1 of 4 stars; one submission).

Conditions:
Renal hypomagnesemia 5 with ocular involvement. Also called: FHHNC WITH SEVERE OCULAR INVOLVEMENT; HYPOMAGNESEMIA, FAMILIAL, WITH HYPERCALCIURIA, NEPHROCALCINOSIS, AND SEVERE OCULAR INVOLVEMENT; MACULAR COLOBOMA, BILATERAL, WITH HYPERCALCIURIA; HYPOMAGNESEMIA 5, RENAL, WITH OR WITHOUT OCULAR INVOLVEMENT. Identifiers: Orphanet 2196, MedGen C4721891, MONDO:0009548, OMIM 248190.

Submission:

Neuberg Centre For Genomic Medicine, NCGM
Classification: Uncertain significance for Renal hypomagnesemia 5 with ocular involvement. Review status: criteria provided, single submitter. Criteria: ACMG Guidelines, 2015. Collection method: clinical testing. Allele origin: germline. Inheritance: Autosomal recessive inheritance. Affected: yes.
Comment: The splice donor variant has not been reported previously as a pathogenic variant nor as a benign variant, to our knowledge. The c.473+1G>T variant is novel (not in any individuals) in gnomAD Exomes and is novel (not in any individuals) in 1000 Genomes. Loss of function variants have been previously reported to be disease causing. However since this variant is present in the penultimate intron functional studies will be required to prove protein truncation. Hence the variant is classified as Uncertain Significance.